The following is an entry in ClinVar:

NM_020338.4(ZMIZ1):c.845_862dup (p.Ala282_Ala287dup)

Gene: ZMIZ1 (zinc finger MIZ-type containing 1; plus strand). Cytogenetic location: 10q22.3.
Variant type: Duplication.
Coding change: c.845_862dup on transcript NM_020338.4 (MANE Select); coding-DNA positions 845 to 862, 18 bases duplicated (CCGCTGCAGCAGCGGCAG).
Protein change: p.Ala282_Ala287dup.
Molecular consequence: inframe insertion.
Genome position (GRCh38, 1-based): chr10:79,292,244-79,292,261, CCGCTGCAGCAGCGGCAG duplicated; duplicating any 18 consecutive bases within chr10:79,292,237-79,292,261 gives the same sequence; the c. name uses the placement nearest the transcript's 3' end. VCF-style (leftmost placement, unchanged base first): chr10-79292236-C-CGCGGCAGCCGCTGCAGCA. GRCh37 (hg19) VCF-style: chr10-81051993-C-CGCGGCAGCCGCTGCAGCA.
Identifiers: ClinVar variation 1478592 (VCV001478592.8), dbSNP rs2132032937, ClinGen allele CA2573145795.
Genomic context (GRCh38, chr10:79,292,236, plus strand): 5'-CGCCCCCGCAGGCATGGGCATCCCTCCGCACACCAGGCCGCCTGCTGACTTCACTCAGCC[C>CGCGGCAGCCGCTGCAGCA]GCGGCAGCCGCTGCAGCAGCGGCAGTGGCAGCAGCAGCAGCCACAGCTACAGCCACAGCC-3'

ClinVar aggregate classification (germline): Likely pathogenic (1 of 4 stars; one submission).

Submission:

Labcorp Genetics (formerly Invitae), Labcorp
Classification: Likely pathogenic. Last evaluated: 2023-01-28. Review status: criteria provided, single submitter. Criteria: Invitae Variant Classification Sherloc (09022015). Collection method: clinical testing. Allele origin: germline.
Comment: ClinVar contains an entry for this variant (Variation ID: 1478592). In summary, the currently available evidence indicates that the variant is pathogenic, but additional data are needed to prove that conclusively. Therefore, this variant has been classified as Likely Pathogenic. Experimental studies and prediction algorithms are not available or were not evaluated, and the functional significance of this variant is currently unknown. This variant has been observed in individual(s) with ZMIZ1-related neurodevelopmental disorder (Invitae). In at least one individual the variant was observed to be de novo. This variant is not present in population databases (gnomAD no frequency). This variant, c.845_862dup, results in the insertion of 6 amino acid(s) of the ZMIZ1 protein (p.Ala282_Ala287dup), but otherwise preserves the integrity of the reading frame.